The following is an entry in ClinVar:

NM_176787.5(PIGN):c.806-7T>A

Gene: PIGN (phosphatidylinositol glycan anchor biosynthesis class N; minus strand). Cytogenetic location: 18q21.33.
Variant type: single nucleotide variant.
Coding change: c.806-7T>A on transcript NM_176787.5 (MANE Select); 7 bases into the intron before coding-DNA position 806, T replaced by A.
Molecular consequence: intron variant.
Genome position (GRCh38, 1-based): chr18:62,146,032, A>T on the plus strand (T>A on the coding strand, the complement: PIGN is on the minus strand). VCF-style: chr18-62146032-A-T. GRCh37 (hg19) VCF-style: chr18-59813265-A-T.
Other names: p.?; c.806-7T>A (NM_012327.6).
Identifiers: ClinVar variation 403306 (VCV000403306.18), dbSNP rs61751989, ClinGen allele CA8982480.

ClinVar aggregate classification (germline): Benign. Review status: criteria provided, multiple submitters, no conflicts (2 of 4 stars). 6 submissions from 6 submitters: Benign (6). Last evaluated 2026-02-04.

Conditions:
Multiple congenital anomalies-hypotonia-seizures syndrome 1 (MCAHS1). Also called: PIGN-CDG; Congenital disorder of glycosylation due to PIGN deficiency; GLYCOSYLPHOSPHATIDYLINOSITOL BIOSYNTHESIS DEFECT 3. Identifiers: Orphanet 280633, MedGen C3279775, MONDO:0013563, OMIM 614080.

Allele frequency attached by ClinVar (database versions not stated): 1000 Genomes Project 0.14197; 1000 Genomes Project 30x 0.14272; gnomAD exomes 0.19628 and 0.23432; TOPMed 0.20764; gnomAD 0.21196 and 0.21786; ExAC 0.22832; ESP Exome Variant Server 0.23619.
gnomAD v4.1: 301,202 of 1,302,290 alleles (23%); highest among the groups gnomAD compares: Non-Finnish European, 26%; 36,857 homozygotes.

Submissions (9):

Labcorp Genetics (formerly Invitae), Labcorp
Classification: Benign for Multiple congenital anomalies-hypotonia-seizures syndrome 1. Last evaluated: 2026-02-04. Review status: criteria provided, single submitter. Criteria: Invitae Variant Classification Sherloc (09022015). Collection method: clinical testing. Allele origin: germline.

Blueprint Genetics
Classification: Benign. Last evaluated: 2024-11-28. Review status: criteria provided, single submitter. Criteria: ACMG Guidelines, 2015. Collection method: clinical testing. Allele origin: germline.

Mayo Clinic Laboratories, Mayo Clinic
Classification: Benign. Last evaluated: 2021-11-29. Review status: criteria provided, single submitter. Criteria: ACMG Guidelines, 2015. Collection method: clinical testing. Allele origin: germline. Observed: 110 variant alleles.

GeneDx
Classification: Benign. Last evaluated: 2018-06-14. Review status: criteria provided, single submitter. Criteria: GeneDx Variant Classification (06012015). Collection method: clinical testing. Allele origin: germline. Affected: yes.
Comment: This variant is considered likely benign or benign based on one or more of the following criteria: it is a conservative change, it occurs at a poorly conserved position in the protein, it is predicted to be benign by multiple in silico algorithms, and/or has population frequency not consistent with disease.

Laboratory for Molecular Medicine, Mass General Brigham Personalized Medicine
Classification: Benign. Last evaluated: 2016-03-29. Review status: criteria provided, single submitter. Criteria: LMM Criteria. Collection method: clinical testing. Allele origin: germline.
Comment: Variant identified in a genome or exome case(s) and assessed due to predicted null impact of the variant or pathogenic assertions in the literature or databases. Disclaimer: This variant has not undergone full assessment. The following are preliminary notes: Frequency

Breakthrough Genomics
Classification: Benign. Review status: criteria provided, single submitter. Criteria: ACMG Guidelines, 2015. Collection method: not provided. Allele origin: germline. Inheritance: Autosomal recessive inheritance. Affected: yes.

Dr. Peter K. Rogan Lab, Western University
No classification provided (evidence only). Condition: Familial cancer of breast. Review status: no classification provided. Collection method: in vitro. Allele origin: not applicable. Functional consequence: retained intron. Not counted in ClinVar's aggregate classification.

Dr. Peter K. Rogan Lab, Western University
No classification provided (evidence only). Condition: Malignant lymphoma, large B-cell, diffuse. Review status: no classification provided. Collection method: in vitro. Allele origin: not applicable. Functional consequence: retained intron. Not counted in ClinVar's aggregate classification.

Dr. Peter K. Rogan Lab, Western University
No classification provided (evidence only). Condition: Malignant lymphoma, large B-cell, diffuse. Review status: no classification provided. Collection method: in vitro. Allele origin: not applicable. Functional consequence: retained intron. Not counted in ClinVar's aggregate classification.